The following is an entry in ClinVar:

ClinVar aggregate classification (germline): Benign/Likely benign. Review status: criteria provided, multiple submitters, no conflicts (2 of 4 stars). 7 submissions from 7 submitters: Benign (1); Likely benign (5). 1 of the submissions does not count toward it. Last evaluated 2026-01-26.

Conditions:
FLCN-related disorder. Also called: FLCN-related condition.
Birt-Hogg-Dube syndrome 1 (BHD1). Also called: FIBROFOLLICULOMAS WITH TRICHODISCOMAS AND ACROCHORDONS. Identifiers: Orphanet 122, MedGen CN375946, MONDO:0800445, OMIM 135150.
Hereditary cancer-predisposing syndrome. Also called: Tumor predisposition; Hereditary Cancer Syndrome; Hereditary neoplastic syndrome; Neoplastic Syndromes, Hereditary. Identifiers: Orphanet 140162, MedGen C0027672, MeSH D009386, MONDO:0015356.
Birt-Hogg-Dube syndrome. Also called: Birt Hogg Dubé syndrome. Identifiers: Orphanet 122, MedGen C0346010, MONDO:0800444.

Allele frequency attached by ClinVar (database versions not stated): gnomAD exomes 0.00002 and 0.00006; ExAC 0.00007; ESP Exome Variant Server 0.00008; gnomAD 0.00011; TOPMed 0.00018.
gnomAD v4.1: 58 of 1,614,050 alleles (0.0036%); highest among the groups gnomAD compares: African/African-American, 0.023%; no homozygotes.

Submissions (7):

Labcorp Genetics (formerly Invitae), Labcorp
Classification: Likely benign for Birt-Hogg-Dube syndrome. Last evaluated: 2026-01-26. Review status: criteria provided, single submitter. Criteria: Invitae Variant Classification Sherloc (09022015). Collection method: clinical testing. Allele origin: germline.

Myriad Genetics, Inc.
Classification: Benign for Birt-Hogg-Dube syndrome 1. Last evaluated: 2024-10-28. Review status: criteria provided, single submitter. Criteria: Myriad Autosomal Dominant, Autosomal Recessive and X-Linked Classification Criteria (2023). Collection method: clinical testing. Allele origin: unknown.
Comment: This variant is considered benign. This variant is a silent/synonymous amino acid change and it is not expected to impact splicing.

Blueprint Genetics
Classification: Likely benign. Last evaluated: 2024-09-20. Review status: criteria provided, single submitter. Criteria: ACMG Guidelines, 2015. Collection method: clinical testing. Allele origin: germline.

Sema4
Classification: Likely benign for Hereditary cancer-predisposing syndrome. Last evaluated: 2022-02-07. Review status: criteria provided, single submitter. Criteria: Sema4 Curation Guidelines. Collection method: curation. Allele origin: germline.

GeneDx
Classification: Likely benign. Last evaluated: 2020-05-28. Review status: criteria provided, single submitter. Criteria: GeneDx Variant Classification Process June 2021. Collection method: clinical testing. Allele origin: germline. Affected: yes.
Comment: This variant is associated with the following publications: (PMID: 28873162)

Ambry Genetics
Classification: Likely benign for Hereditary cancer-predisposing syndrome. Last evaluated: 2016-06-14. Review status: criteria provided, single submitter. Criteria: Ambry Variant Classification Scheme 2023. Collection method: clinical testing. Allele origin: germline.

PreventionGenetics, part of Exact Sciences
Classification: Likely benign for FLCN-related condition. Last evaluated: 2022-02-17. Review status: no assertion criteria provided. Collection method: clinical testing. Allele origin: germline. Not counted in ClinVar's aggregate classification.
Comment: This variant is classified as likely benign based on ACMG/AMP sequence variant interpretation guidelines (Richards et al. 2015 PMID: 25741868, with internal and published modifications).

NM_144997.7(FLCN):c.1704G>A (p.Thr568=)

Gene: FLCN (folliculin; minus strand). Cytogenetic location: 17p11.2.
Variant type: single nucleotide variant.
Coding change: c.1704G>A on transcript NM_144997.7 (MANE Select); coding-DNA position 1704, G replaced by A.
Protein change: p.Thr568=; no amino-acid change (threonine 568 retained).
Molecular consequence: synonymous variant.
Genome position (GRCh38, 1-based): chr17:17,213,691, C>T on the plus strand (G>A on the coding strand, the complement: FLCN is on the minus strand). VCF-style: chr17-17213691-C-T. GRCh37 (hg19) VCF-style: chr17-17117005-C-T.
Other names: c.1704G>A (LRG_325t1); c.1758G>A, p.Thr586= (NM_001353229.2); c.1704G>A, p.Thr568= (NM_001353230.2, NM_001353231.2).
Identifiers: ClinVar variation 415623 (VCV000415623.21), dbSNP rs147554296, ClinGen allele CA8415913.